The following is an entry in ClinVar:

ClinVar aggregate classification (germline): Uncertain significance (1 of 4 stars; one submission).

Conditions:
Beckwith-Wiedemann syndrome (BWS). Also called: Exomphalos macroglossia gigantism syndrome; EMG SYNDROME. Identifiers: Orphanet 116, MedGen C0004903, MONDO:0007534, OMIM 130650.

Submission:

Labcorp Genetics (formerly Invitae), Labcorp
Classification: Uncertain significance for Beckwith-Wiedemann syndrome. Last evaluated: 2021-01-30. Review status: criteria provided, single submitter. Criteria: Invitae Variant Classification Sherloc (09022015). Collection method: clinical testing. Allele origin: germline.
Comment: In summary, the available evidence is currently insufficient to determine the role of this variant in disease. Therefore, it has been classified as a Variant of Uncertain Significance. Algorithms developed to predict the effect of missense changes on protein structure and function output the following: SIFT: "Tolerated"; PolyPhen-2: "Not Available"; Align-GVGD: "Class C0". The leucine amino acid residue is found in multiple mammalian species, suggesting that this missense change does not adversely affect protein function. These predictions have not been confirmed by published functional studies and their clinical significance is uncertain. This variant has not been reported in the literature in individuals with CDKN1C-related conditions. The frequency data for this variant in the population databases is considered unreliable, as metrics indicate insufficient coverage at this position in the ExAC database. This sequence change replaces proline with leucine at codon 182 of the CDKN1C protein (p.Pro182Leu). The proline residue is weakly conserved and there is a moderate physicochemical difference between proline and leucine.

NM_001122630.2(CDKN1C):c.512C>T (p.Pro171Leu)

Gene: CDKN1C (cyclin dependent kinase inhibitor 1C; minus strand). Cytogenetic location: 11p15.4.
Variant type: single nucleotide variant.
Coding change: c.512C>T on transcript NM_001122630.2 (MANE Select); coding-DNA position 512, C replaced by T.
Protein change: p.Pro171Leu; replaces proline 171 with leucine.
Molecular consequence: missense variant. On other transcripts: intron variant (1).
Genome position (GRCh38, 1-based): chr11:2,884,945, G>A on the plus strand (C>T on the coding strand, the complement: CDKN1C is on the minus strand). VCF-style: chr11-2884945-G-A. GRCh37 (hg19) VCF-style: chr11-2906175-G-A.
Other names: c.545C>T, p.Pro182Leu (NM_000076.2, NM_001362474.2); c.512C>T, p.Pro171Leu (NM_001122631.2); c.255+257C>T (NM_001362475.2); short protein forms P171L, P182L.
Identifiers: ClinVar variation 2079708 (VCV002079708.4), dbSNP rs1465874610, ClinGen allele CA379146491.